The following is an entry in ClinVar:

ClinVar aggregate classification (germline): Pathogenic/Likely pathogenic. Review status: criteria provided, multiple submitters, no conflicts (2 of 4 stars). 2 submissions from 2 submitters: Pathogenic (1); Likely pathogenic (1). Last evaluated 2025-08-25.

Conditions:
Cerebrooculofacioskeletal syndrome 3 (COFS3). Identifiers: MedGen C1851443, MONDO:0014696, OMIM 616570.

Submissions (2):

Daryl Scott Lab, Baylor College of Medicine
Classification: Pathogenic for Cerebrooculofacioskeletal syndrome 3. Last evaluated: 2025-08-25. Review status: criteria provided, single submitter. Criteria: ACMG Guidelines, 2015. Collection method: clinical testing. Allele origin: unknown. Affected: yes. Observed: 1 compound heterozygote.
Comment: PVS1, PM2, PM3

Laboratorio de Genetica e Diagnostico Molecular, Hospital Israelita Albert Einstein
Classification: Likely pathogenic. Last evaluated: 2020-06-08. Review status: criteria provided, single submitter. Criteria: ACMG Guidelines, 2015. Collection method: clinical testing. Allele origin: germline. Affected: yes.
Comment: ACMG classification criteria: PVS1, PM2

NM_000123.4(ERCC5):c.2705dup (p.Asn902fs)

Genes: BIVM-ERCC5 (BIVM-ERCC5 readthrough; plus strand), ERCC5 (ERCC excision repair 5, endonuclease; plus strand). Cytogenetic location: 13q33.1.
Variant type: Duplication.
Coding change: c.2705dup on transcript NM_000123.4 (MANE Select); coding-DNA position 2705, one base duplicated (A; older notation c.2705dupA).
Protein change: p.Asn902fs; shifts the reading frame from asparagine 902.
Molecular consequence: frameshift variant.
Genome position (GRCh38, 1-based): chr13:102,872,224, A duplicated; the last of 7 consecutive A bases (chr13:102,872,218-102,872,224); duplicating any one gives the same sequence. VCF-style (leftmost placement, unchanged base first): chr13-102872217-C-CA. GRCh37 (hg19) VCF-style: chr13-103524567-C-CA.
Other names: c.4067dup, p.Asn1356fs (NM_001204425.2); c.2699dupA (NM_000123.4); short protein forms N1356fs, N902fs.
Identifiers: ClinVar variation 1690897 (VCV001690897.3), dbSNP rs759551120, ClinGen allele CA7041719.
Genomic context (GRCh38, chr13:102,872,217, plus strand): 5'-GTCTCATTGCTGTGTAAGTAATTGTTTCCTTTATTTTACAGAGAATGGTGGCATGAAGCT[C>CA]AAAAAAATCCAAAGATAAGACCTAATCCTCATGACACCAAAGTGAAAAAAAAATTACGGA-3'